The following is an entry in ClinVar:

NM_014795.4(ZEB2):c.1084A>G (p.Thr362Ala)

Gene: ZEB2 (zinc finger E-box binding homeobox 2; minus strand). Cytogenetic location: 2q22.3.
Variant type: single nucleotide variant.
Coding change: c.1084A>G on transcript NM_014795.4 (MANE Select); coding-DNA position 1084, A replaced by G.
Protein change: p.Thr362Ala; replaces threonine 362 with alanine.
Molecular consequence: missense variant.
Genome position (GRCh38, 1-based): chr2:144,400,103, T>C on the plus strand (A>G on the coding strand, the complement: ZEB2 is on the minus strand). VCF-style: chr2-144400103-T-C. GRCh37 (hg19) VCF-style: chr2-145157670-T-C.
Other names: c.1012A>G, p.Thr338Ala (NM_001171653.2); short protein forms T338A, T362A.
Identifiers: ClinVar variation 1720940 (VCV001720940.5), dbSNP rs2549107096, ClinGen allele CA348712691.
Genomic context (GRCh38, chr2:144,400,103, plus strand): 5'-ACATACTAAGTGGTTTTCCATTCTCCAACTTGTTTCTTAACTGGGTAATGGCTGAATTAG[T>C]AGGAGAAGAAGAAACAGAATTAGGGGAAGAACCCGTCTTGATATTGTTTCTCATTCGGCC-3'
Protein context (NP_055610.1, residues 352-372): SSPNSVSSSP[Thr362Ala]NSAITQLRNK

ClinVar aggregate classification (germline): Uncertain significance (1 of 4 stars; one submission).

Conditions:
Mowat-Wilson syndrome (MOWS). Also called: Classic Mowat-Wilson Syndrome. Identifiers: Orphanet 2152, MedGen C1856113, MONDO:0009341, OMIM 235730.

Allele frequency attached by ClinVar (database versions not stated): gnomAD exomes below 0.00001.
gnomAD v4.1: 1 of 1,613,962 alleles (0.000062%); highest among the groups gnomAD compares: Non-Finnish European, 0.000085%; no homozygotes.

Submission:

Labcorp Genetics (formerly Invitae), Labcorp
Classification: Uncertain significance for Mowat-Wilson syndrome. Last evaluated: 2022-10-04. Review status: criteria provided, single submitter. Criteria: Invitae Variant Classification Sherloc (09022015). Collection method: clinical testing. Allele origin: germline.
Comment: In summary, the available evidence is currently insufficient to determine the role of this variant in disease. Therefore, it has been classified as a Variant of Uncertain Significance. This sequence change replaces threonine, which is neutral and polar, with alanine, which is neutral and non-polar, at codon 362 of the ZEB2 protein (p.Thr362Ala). This variant is not present in population databases (gnomAD no frequency). This variant has not been reported in the literature in individuals affected with ZEB2-related conditions. Advanced modeling of protein sequence and biophysical properties (such as structural, functional, and spatial information, amino acid conservation, physicochemical variation, residue mobility, and thermodynamic stability) performed at Invitae indicates that this missense variant is not expected to disrupt ZEB2 protein function.